The following is an entry in ClinVar:

NM_001113378.2(FANCI):c.2488T>G (p.Ser830Ala)

Gene: FANCI (FA complementation group I; plus strand). Cytogenetic location: 15q26.1.
Variant type: single nucleotide variant.
Coding change: c.2488T>G on transcript NM_001113378.2 (MANE Select); coding-DNA position 2488, T replaced by G.
Protein change: p.Ser830Ala; replaces serine 830 with alanine.
Molecular consequence: missense variant. On other transcripts: intron variant (1).
Genome position (GRCh38, 1-based): chr15:89,294,946, T>G. VCF-style: chr15-89294946-T-G. GRCh37 (hg19) VCF-style: chr15-89838177-T-G.
Other names: c.2209T>G, p.Ser737Ala (NM_001376910.1); c.2488T>G, p.Ser830Ala (NM_001376911.1); c.2456+949T>G (NM_018193.3); short protein forms S830A, S737A.
Identifiers: ClinVar variation 3641058 (VCV003641058.2).

ClinVar aggregate classification (germline): Uncertain significance (1 of 4 stars; one submission).

Conditions:
Fanconi anemia (FA). Also called: Fanconi's anemia. Identifiers: Orphanet 84, MedGen C0015625, MeSH D005199, MONDO:0019391.

Submission:

Labcorp Genetics (formerly Invitae), Labcorp
Classification: Uncertain significance for Fanconi anemia. Last evaluated: 2024-02-15. Review status: criteria provided, single submitter. Criteria: Invitae Variant Classification Sherloc (09022015). Collection method: clinical testing. Allele origin: germline.
Comment: This sequence change replaces serine, which is neutral and polar, with alanine, which is neutral and non-polar, at codon 830 of the FANCI protein (p.Ser830Ala). This variant is not present in population databases (gnomAD no frequency). This variant has not been reported in the literature in individuals affected with FANCI-related conditions. An algorithm developed to predict the effect of missense changes on protein structure and function (PolyPhen-2) suggests that this variant is likely to be tolerated. In summary, the available evidence is currently insufficient to determine the role of this variant in disease. Therefore, it has been classified as a Variant of Uncertain Significance.